The following is an entry in ClinVar:

NM_001001331.4(ATP2B2):c.2870del (p.Gly957fs)

Gene: ATP2B2 (ATPase plasma membrane Ca2+ transporting 2; minus strand). Cytogenetic location: 3p25.3.
Variant type: Deletion.
Coding change: c.2870del on transcript NM_001001331.4 (MANE Select); coding-DNA position 2870, one base deleted (G; older notation c.2870delG).
Protein change: p.Gly957fs; shifts the reading frame from glycine 957.
Molecular consequence: frameshift variant.
Genome position (GRCh38, 1-based): chr3:10,342,799, C deleted on the plus strand (G on the coding strand, the reverse complement: ATP2B2 is on the minus strand); the first of 3 consecutive C bases (chr3:10,342,799-10,342,801); deleting any one gives the same sequence. VCF-style (leftmost placement, unchanged base first): chr3-10342798-GC-G. GRCh37 (hg19) VCF-style: chr3-10384482-GC-G.
Other names: c.2735del, p.Gly912fs (NM_001330611.3, NM_001353564.1, NM_001363862.1 and 2 more transcripts); c.2777del, p.Gly926fs (NM_001438646.1); short protein forms G957fs, G926fs, G912fs.
Identifiers: ClinVar variation 4714251 (VCV004714251.1).
Genomic context (GRCh38, chr3:10,342,798, plus strand): 5'-GGCGAGGCGCTCACCAACAAAGAGCAGGGTGAAGATGAGGGCAAGCTGGTAGACAGCATG[GC>G]CCAGGATGTTCTTCATCATGGTCCTGGAGATGAGCGGCTTGTTGCGGCCGTACGGCTTCC-3'

ClinVar aggregate classification (germline): Pathogenic (1 of 4 stars; one submission).

Submission:

Labcorp Genetics (formerly Invitae), Labcorp
Classification: Pathogenic. Last evaluated: 2025-03-04. Review status: criteria provided, single submitter. Criteria: Invitae Variant Classification Sherloc (09022015). Collection method: clinical testing. Allele origin: germline.
Comment: This sequence change creates a premature translational stop signal (p.Gly912Alafs*48) in the ATP2B2 gene. It is expected to result in an absent or disrupted protein product. Loss-of-function variants in ATP2B2 are known to be pathogenic (PMID: 30535804). This variant is not present in population databases (gnomAD no frequency). This variant has not been reported in the literature in individuals affected with ATP2B2-related conditions. For these reasons, this variant has been classified as Pathogenic.

Literature cited by the submitters: PubMed 30535804.